The following is an entry in ClinVar:

NM_015570.4(AUTS2):c.1877A>T (p.His626Leu)

Gene: AUTS2 (activator of transcription and developmental regulator AUTS2; plus strand). Cytogenetic location: 7q11.22.
Variant type: single nucleotide variant.
Coding change: c.1877A>T on transcript NM_015570.4 (MANE Select); coding-DNA position 1877, A replaced by T.
Protein change: p.His626Leu; replaces histidine 626 with leucine.
Molecular consequence: missense variant. On other transcripts: intron variant (1).
Genome position (GRCh38, 1-based): chr7:70,774,074, A>T. VCF-style: chr7-70774074-A-T. GRCh37 (hg19) VCF-style: chr7-70239060-A-T.
Other names: c.1831-1283A>T (NM_001127231.3); short protein forms H626L.
Identifiers: ClinVar variation 2580683 (VCV002580683.4), dbSNP rs943716124, ClinGen allele CA160031870.

ClinVar aggregate classification (germline): Uncertain significance. Review status: criteria provided, multiple submitters, no conflicts (2 of 4 stars). 2 submissions from 2 submitters: Uncertain significance (2). Last evaluated 2023-03-22.

Allele frequency attached by ClinVar (database versions not stated): TOPMed below 0.00001.
gnomAD v4.1: 1 of 1,614,174 alleles (0.000062%); highest among the groups gnomAD compares: Admixed American, 0.0017%; no homozygotes.

Submissions (2):

GeneDx
Classification: Uncertain significance. Last evaluated: 2023-03-22. Review status: criteria provided, single submitter. Criteria: GeneDx Variant Classification Process June 2021. Collection method: clinical testing. Allele origin: germline. Affected: yes.
Comment: Not observed at significant frequency in large population cohorts (gnomAD); In silico analysis supports that this missense variant has a deleterious effect on protein structure/function; Has not been previously published as pathogenic or benign to our knowledge

Labcorp Genetics (formerly Invitae), Labcorp
Classification: Uncertain significance. Last evaluated: 2022-11-10. Review status: criteria provided, single submitter. Criteria: Invitae Variant Classification Sherloc (09022015). Collection method: clinical testing. Allele origin: germline.
Comment: This sequence change replaces histidine, which is basic and polar, with leucine, which is neutral and non-polar, at codon 626 of the AUTS2 protein (p.His626Leu). This variant is not present in population databases (gnomAD no frequency). This variant has not been reported in the literature in individuals affected with AUTS2-related conditions. Algorithms developed to predict the effect of missense changes on protein structure and function (SIFT, PolyPhen-2, Align-GVGD) all suggest that this variant is likely to be disruptive. In summary, the available evidence is currently insufficient to determine the role of this variant in disease. Therefore, it has been classified as a Variant of Uncertain Significance.